The following is an entry in ClinVar:

ClinVar aggregate classification (germline): Uncertain significance (1 of 4 stars; one submission).

Allele frequency attached by ClinVar (database versions not stated): gnomAD exomes 0.00001; TOPMed 0.00001; ExAC 0.00002; gnomAD 0.00002.
gnomAD v4.1: 25 of 1,613,242 alleles (0.0015%); highest among the groups gnomAD compares: African/African-American, 0.0027%; no homozygotes.

Submission:

Labcorp Genetics (formerly Invitae), Labcorp
Classification: Uncertain significance. Last evaluated: 2022-06-20. Review status: criteria provided, single submitter. Criteria: Invitae Variant Classification Sherloc (09022015). Collection method: clinical testing. Allele origin: germline.
Comment: This variant is present in population databases (rs757332098, gnomAD 0.002%). This variant has not been reported in the literature in individuals affected with MYO6-related conditions. Algorithms developed to predict the effect of missense changes on protein structure and function (SIFT, PolyPhen-2, Align-GVGD) all suggest that this variant is likely to be disruptive. In summary, the available evidence is currently insufficient to determine the role of this variant in disease. Therefore, it has been classified as a Variant of Uncertain Significance. This sequence change replaces leucine, which is neutral and non-polar, with proline, which is neutral and non-polar, at codon 1012 of the MYO6 protein (p.Leu1012Pro).

NM_004999.4(MYO6):c.3035T>C (p.Leu1012Pro)

Gene: MYO6 (myosin VI; plus strand). Cytogenetic location: 6q14.1.
Variant type: single nucleotide variant.
Coding change: c.3035T>C on transcript NM_004999.4 (MANE Select); coding-DNA position 3035, T replaced by C.
Protein change: p.Leu1012Pro; replaces leucine 1012 with proline.
Molecular consequence: missense variant. On other transcripts: non-coding transcript variant (1).
Genome position (GRCh38, 1-based): chr6:75,892,618, T>C. VCF-style: chr6-75892618-T-C. GRCh37 (hg19) VCF-style: chr6-76602335-T-C.
Other names: c.3035T>C, p.Leu1012Pro (NM_001300899.2, NM_001368136.1, NM_001368137.1 and 2 more transcripts); c.3020T>C, p.Leu1007Pro (NM_001368138.1); short protein forms L1012P, L1007P.
Identifiers: ClinVar variation 1373425 (VCV001373425.8), dbSNP rs757332098, ClinGen allele CA3897529.